The following is an entry in ClinVar:

ClinVar aggregate classification (germline): Uncertain significance (1 of 4 stars; one submission).

Allele frequency attached by ClinVar (database versions not stated): gnomAD exomes 0.00001; TOPMed below 0.00001; ExAC 0.00001; gnomAD 0.00001.
gnomAD v4.1: 8 of 1,541,422 alleles (0.00052%); highest among the groups gnomAD compares: Admixed American, 0.014%; no homozygotes.

Submission:

Labcorp Genetics (formerly Invitae), Labcorp
Classification: Uncertain significance. Last evaluated: 2024-11-05. Review status: criteria provided, single submitter. Criteria: Invitae Variant Classification Sherloc (09022015). Collection method: clinical testing. Allele origin: germline.
Comment: This sequence change falls in intron 13 of the CEP63 gene. It does not directly change the encoded amino acid sequence of the CEP63 protein. It affects a nucleotide within the consensus splice site. This variant is present in population databases (rs780577517, gnomAD 0.02%). This variant has not been reported in the literature in individuals affected with CEP63-related conditions. ClinVar contains an entry for this variant (Variation ID: 2056275). Variants that disrupt the consensus splice site are a relatively common cause of aberrant splicing (PMID: 17576681, 9536098). Algorithms developed to predict the effect of sequence changes on RNA splicing suggest that this variant is not likely to affect RNA splicing. In summary, the available evidence is currently insufficient to determine the role of this variant in disease. Therefore, it has been classified as a Variant of Uncertain Significance.

Literature cited by the submitters: PubMed 17576681; PubMed 9536098.

NM_001353108.3(CEP63):c.1467+4C>T

Gene: CEP63 (centrosomal protein 63; plus strand). Cytogenetic location: 3q22.2.
Variant type: single nucleotide variant.
Coding change: c.1467+4C>T on transcript NM_001353108.3 (MANE Select); 4 bases into the intron after coding-DNA position 1467, C replaced by T.
Molecular consequence: intron variant.
Genome position (GRCh38, 1-based): chr3:134,552,016, C>T. VCF-style: chr3-134552016-C-T. GRCh37 (hg19) VCF-style: chr3-134270858-C-T.
Other names: c.1467+4C>T (NM_001353110.1, NM_001353117.2, NM_025180.5 and 4 more transcripts); c.1329+4C>T (NM_001353109.1, NM_001042383.2, NM_001353124.2 and 6 more transcripts); c.1356+4C>T (NM_001353118.1); c.966+4C>T (NM_001353126.2); c.1245+4C>T (NM_001353125.2).
Identifiers: ClinVar variation 2056275 (VCV002056275.3), dbSNP rs780577517, ClinGen allele CA2628676.